The following is an entry in ClinVar:

ClinVar aggregate classification (germline): Likely pathogenic. Review status: criteria provided, multiple submitters, no conflicts (2 of 4 stars). 2 submissions from 2 submitters: Likely pathogenic (2). Last evaluated 2024-06-03.

Conditions:
Combined immunodeficiency due to CD3gamma deficiency. Also called: CD3-GAMMA DEFICIENCY; SCID-LIKE IMMUNODEFICIENCY, T CELL-PARTIAL, B CELL-POSITIVE, NK CELL-POSITIVE; Immunodeficiency 17; Immunodeficiency 17, CD3 gamma deficient. Identifiers: Orphanet 169082, MedGen C3810107, MONDO:0014276, OMIM 615607.

Submissions (2):

Labcorp Genetics (formerly Invitae), Labcorp
Classification: Likely pathogenic for Combined immunodeficiency due to CD3gamma deficiency. Last evaluated: 2024-06-03. Review status: criteria provided, single submitter. Criteria: Invitae Variant Classification Sherloc (09022015). Collection method: clinical testing. Allele origin: germline.
Comment: This variant results in the deletion of part of exon 2 (c.70_79+5del) of the CD3G gene. It is expected to disrupt RNA splicing. Variants that disrupt the donor or acceptor splice site typically lead to a loss of protein function (PMID: 16199547), and loss-of-function variants in CD3G are known to be pathogenic (PMID: 1635567, 17277165, 24910257). This variant is present in population databases (no rsID available, gnomAD 0.003%). This variant has not been reported in the literature in individuals affected with CD3G-related conditions. ClinVar contains an entry for this variant (Variation ID: 1964376). In summary, the currently available evidence indicates that the variant is pathogenic, but additional data are needed to prove that conclusively. Therefore, this variant has been classified as Likely Pathogenic.

Laboratorio de Genetica e Diagnostico Molecular, Hospital Israelita Albert Einstein
Classification: Likely pathogenic for Combined immunodeficiency due to CD3gamma deficiency. Last evaluated: 2022-11-25. Review status: criteria provided, single submitter. Criteria: ACMG Guidelines, 2015. Collection method: clinical testing. Allele origin: germline. Affected: yes.
Comment: ACMG classification criteria: PVS1 strong, PM2 moderate

Literature cited by the submitters: PubMed 16199547 (cited by Labcorp Genetics (formerly Invitae), Labcorp); PubMed 1635567 (cited by Labcorp Genetics (formerly Invitae), Labcorp); PubMed 17277165 (cited by Labcorp Genetics (formerly Invitae), Labcorp); PubMed 24910257 (cited by Labcorp Genetics (formerly Invitae), Labcorp).

NM_000073.3(CD3G):c.70_79+5del

Gene: CD3G (CD3 gamma subunit of T-cell receptor complex; plus strand). Cytogenetic location: 11q23.3.
Variant type: Deletion.
Coding change: c.70_79+5del on transcript NM_000073.3 (MANE Select); coding-DNA position 70 through 5 bases into the intron after coding-DNA position 79, 15 bases deleted (TCAATCAAAGGTAGG).
Molecular consequence: splice donor variant.
Genome position (GRCh38, 1-based): chr11:118,349,041-118,349,055, TCAATCAAAGGTAGG deleted; deleting any 15 consecutive bases within chr11:118,349,040-118,349,055 gives the same sequence; the c. name uses the placement nearest the transcript's 3' end. VCF-style (leftmost placement, unchanged base first): chr11-118349039-AGTCAATCAAAGGTAG-A. GRCh37 (hg19) VCF-style: chr11-118219754-AGTCAATCAAAGGTAG-A.
Identifiers: ClinVar variation 1964376 (VCV001964376.6), dbSNP rs1440888766, ClinGen allele CA601879047.